The following is an entry in ClinVar:

NM_001379291.1(BRD4):c.966G>A (p.Arg322=)

Gene: BRD4 (bromodomain containing 4; minus strand). Cytogenetic location: 19p13.12.
Variant type: single nucleotide variant.
Coding change: c.966G>A on transcript NM_001379291.1 (MANE Select); coding-DNA position 966, G replaced by A.
Protein change: p.Arg322=; no amino-acid change (arginine 322 retained).
Molecular consequence: synonymous variant.
Genome position (GRCh38, 1-based): chr19:15,264,650, C>T on the plus strand (G>A on the coding strand, the complement: BRD4 is on the minus strand). VCF-style: chr19-15264650-C-T. GRCh37 (hg19) VCF-style: chr19-15375461-C-T.
Other names: c.966G>A, p.Arg322= (NM_001330384.2, NM_001379292.1, NM_014299.3 and 1 more transcripts).
Identifiers: ClinVar variation 786351 (VCV000786351.21), dbSNP rs79518776, ClinGen allele CA9265475.
Genomic context (GRCh38, chr19:15,264,650, plus strand): 5'-TGGGTGCTGCTGAGAGTCGGGCACGTCCTTCTTTGGAGGTTTCACAGGCCGGCTGCTCTC[C>T]CGCCGCTGGCCCAGCTTGGTGGTCTTGGGCTCCGGGGGCAGCGAGGGTGGCTCGTGAATG-3'
Protein context (NP_001366220.1, residues 312-332): EPKTTKLGQR[Arg322=]ESSRPVKPPK

ClinVar aggregate classification (germline): Benign/Likely benign. Review status: criteria provided, multiple submitters, no conflicts (2 of 4 stars). 3 submissions from 3 submitters: Benign (2); Likely benign (1). Last evaluated 2026-08-24.

Conditions:
BRD4-related disorder. Also called: BRD4-related condition.

Allele frequency attached by ClinVar (database versions not stated): gnomAD exomes 0.00020 and 0.00051; ExAC 0.00061; ESP Exome Variant Server 0.00154; gnomAD 0.00157 and 0.00163; TOPMed 0.00198; 1000 Genomes Project 30x 0.00297; 1000 Genomes Project 0.00339.
gnomAD v4.1: 548 of 1,613,794 alleles (0.034%); highest among the groups gnomAD compares: African/African-American, 0.61%; 1 homozygote.

Submissions (3):

PreventionGenetics, part of Exact Sciences
Classification: Benign for BRD4-related condition. Last evaluated: 2026-08-24. Review status: criteria provided, single submitter. Criteria: ACMG Guidelines, 2015. Collection method: clinical testing. Allele origin: germline.
Comment: This variant is classified as benign based on ACMG/AMP sequence variant interpretation guidelines (Richards et al. 2015 PMID: 25741868, with internal and published modifications).

Labcorp Genetics (formerly Invitae), Labcorp
Classification: Benign. Last evaluated: 2026-01-26. Review status: criteria provided, single submitter. Criteria: Invitae Variant Classification Sherloc (09022015). Collection method: clinical testing. Allele origin: germline.

CeGaT Center for Human Genetics Tuebingen
Classification: Likely benign. Last evaluated: 2025-10-01. Review status: criteria provided, single submitter. Criteria: CeGaT Center For Human Genetics Tuebingen Variant Classification Criteria Version 2. Collection method: clinical testing. Allele origin: germline. Affected: yes. Observed: 2 variant alleles.
Comment: BRD4: BP4, BP7